The following is an entry in ClinVar:

ClinVar aggregate classification (germline): Pathogenic (1 of 4 stars; one submission).

Submission:

Labcorp Genetics (formerly Invitae), Labcorp
Classification: Pathogenic. Last evaluated: 2023-10-13. Review status: criteria provided, single submitter. Criteria: Invitae Variant Classification Sherloc (09022015). Collection method: clinical testing. Allele origin: germline.
Comment: This sequence change creates a premature translational stop signal (p.Ala2742Profs*11) in the EYS gene. While this is not anticipated to result in nonsense mediated decay, it is expected to disrupt the last 403 amino acid(s) of the EYS protein. This variant is not present in population databases (gnomAD no frequency). This variant has not been reported in the literature in individuals affected with EYS-related conditions. ClinVar contains an entry for this variant (Variation ID: 2126389). This variant disrupts a region of the EYS protein in which other variant(s) (p.Tyr3135*) have been determined to be pathogenic (PMID: 18976725, 29159838, 30337596, 31074760). This suggests that this is a clinically significant region of the protein, and that variants that disrupt it are likely to be disease-causing. For these reasons, this variant has been classified as Pathogenic.

Literature cited by the submitters: PubMed 18976725; PubMed 29159838; PubMed 30337596; PubMed 31074760.

NM_001142800.2(EYS):c.8223del (p.Ala2742fs)

Gene: EYS (EGF-like photoreceptor maintenance factor; minus strand). Cytogenetic location: 6q12.
Variant type: Deletion.
Coding change: c.8223del on transcript NM_001142800.2 (MANE Select); coding-DNA position 8223, one base deleted (A; older notation c.8223delA).
Protein change: p.Ala2742fs; shifts the reading frame from alanine 2742.
Molecular consequence: frameshift variant.
Genome position (GRCh38, 1-based): chr6:63,726,529, T deleted on the plus strand (A on the coding strand, the reverse complement: EYS is on the minus strand); the first of 4 consecutive T bases (chr6:63,726,529-63,726,532); deleting any one gives the same sequence. VCF-style (leftmost placement, unchanged base first): chr6-63726528-CT-C. GRCh37 (hg19) VCF-style: chr6-64436421-CT-C.
Other names: c.8286del, p.Ala2763fs (NM_001292009.2); short protein forms A2742fs, A2763fs.
Identifiers: ClinVar variation 2126389 (VCV002126389.4), dbSNP rs1768622603, ClinGen allele CA1089786388.
Genomic context (GRCh38, chr6:63,726,528, plus strand): 5'-TAATAGACTATTAGGAATTCATTCTGCAAACAAACAGCCTGCCAATCTTACCTGATTGGG[CT>C]TTTAAGTGTTGTGCAGCATAAAATAGGATACCATCTGCAGCGAGAGGCTGAAACTGCAAT-3'